The following is an entry in ClinVar:

NM_001130823.3(DNMT1):c.1781_1782inv (p.Thr594Met)

Gene: DNMT1 (DNA methyltransferase 1; minus strand). Cytogenetic location: 19p13.2.
Variant type: Inversion.
Coding change: c.1781_1782inv on transcript NM_001130823.3 (MANE Select).
Protein change: p.Thr594Met; replaces threonine 594 with methionine.
Molecular consequence: missense variant.
Genome position: GRCh38 VCF-style: chr19-10154636-TG-CA. GRCh37 (hg19) VCF-style: chr19-10265312-TG-CA.
Other names: c.1733_1734inv, p.Thr578Met (NM_001318730.2, NM_001379.4); c.1418_1419inv, p.Thr473Met (NM_001318731.2); short protein forms T473M, T594M, T578M.
Identifiers: ClinVar variation 2741434 (VCV002741434.3), ClinGen allele CA2697556230.

ClinVar aggregate classification (germline): Uncertain significance (1 of 4 stars; one submission).

Conditions:
Hereditary sensory neuropathy-deafness-dementia syndrome. Also called: HSN IE; NEUROPATHY, HEREDITARY SENSORY, WITH HEARING LOSS AND DEMENTIA; Hereditary Sensory and Autonomic Neuropathy Type 1E (HSAN1E); Hereditary sensory neuropathy type IE. Identifiers: Orphanet 456318, MedGen C3279885, MONDO:0013584, OMIM 614116.

Submission:

Labcorp Genetics (formerly Invitae), Labcorp
Classification: Uncertain significance for Hereditary sensory neuropathy-deafness-dementia syndrome. Last evaluated: 2024-10-03. Review status: criteria provided, single submitter. Criteria: Invitae Variant Classification Sherloc (09022015). Collection method: clinical testing. Allele origin: germline.
Comment: This sequence change replaces threonine, which is neutral and polar, with methionine, which is neutral and non-polar, at codon 594 of the DNMT1 protein (p.Thr594Met). The frequency data for this variant in the population databases is considered unreliable, as metrics indicate poor data quality at this position in the gnomAD database. This variant has not been reported in the literature in individuals affected with DNMT1-related conditions. An algorithm developed to predict the effect of missense changes on protein structure and function (PolyPhen-2) suggests that this variant is likely to be tolerated. In summary, the available evidence is currently insufficient to determine the role of this variant in disease. Therefore, it has been classified as a Variant of Uncertain Significance.